The following is an entry in ClinVar:

NM_002439.5(MSH3):c.1434A>C (p.Lys478Asn)

Gene: MSH3 (mutS homolog 3; plus strand). Cytogenetic location: 5q14.1.
Variant type: single nucleotide variant.
Coding change: c.1434A>C on transcript NM_002439.5 (MANE Select); coding-DNA position 1434, A replaced by C.
Protein change: p.Lys478Asn; replaces lysine 478 with asparagine.
Molecular consequence: missense variant.
Genome position (GRCh38, 1-based): chr5:80,725,546, A>C. VCF-style: chr5-80725546-A-C. GRCh37 (hg19) VCF-style: chr5-80021365-A-C.
Other names: short protein forms K478N.
Identifiers: ClinVar variation 1772569 (VCV001772569.6), dbSNP rs954487188, ClinGen allele CA360273693.

ClinVar aggregate classification (germline): Conflicting classifications of pathogenicity. Review status: criteria provided, conflicting classifications (1 of 4 stars). 2 submissions from 2 submitters: Uncertain significance (1); Likely benign (1). Last evaluated 2025-11-14.

Conditions:
Hereditary cancer-predisposing syndrome. Also called: Hereditary Cancer Syndrome; Hereditary neoplastic syndrome; Neoplastic Syndromes, Hereditary; Tumor predisposition. Identifiers: Orphanet 140162, MedGen C0027672, MeSH D009386, MONDO:0015356.

Submissions (2):

Labcorp Genetics (formerly Invitae), Labcorp
Classification: Uncertain significance. Last evaluated: 2025-11-14. Review status: criteria provided, single submitter. Criteria: Invitae Variant Classification Sherloc (09022015). Collection method: clinical testing. Allele origin: germline.
Comment: This sequence change replaces lysine, which is basic and polar, with asparagine, which is neutral and polar, at codon 478 of the MSH3 protein (p.Lys478Asn). This variant is not present in population databases (gnomAD no frequency). This variant has not been reported in the literature in individuals affected with MSH3-related conditions. ClinVar contains an entry for this variant (Variation ID: 1772569). An algorithm developed to predict the effect of missense changes on protein structure and function outputs the following: PolyPhen-2: "Benign". The asparagine amino acid residue is found in multiple mammalian species, which suggests that this missense change does not adversely affect protein function. In summary, the available evidence is currently insufficient to determine the role of this variant in disease. Therefore, it has been classified as a Variant of Uncertain Significance.

Ambry Genetics
Classification: Likely benign for Hereditary cancer-predisposing syndrome. Last evaluated: 2025-06-26. Review status: criteria provided, single submitter. Criteria: Ambry Variant Classification Scheme 2023. Collection method: clinical testing. Allele origin: germline.